The following is an entry in ClinVar:

NM_000395.3(CSF2RB):c.1630C>T (p.His544Tyr)

Gene: CSF2RB (colony stimulating factor 2 receptor subunit beta; plus strand). Cytogenetic location: 22q12.3.
Variant type: single nucleotide variant.
Coding change: c.1630C>T on transcript NM_000395.3 (MANE Select); coding-DNA position 1630, C replaced by T.
Protein change: p.His544Tyr; replaces histidine 544 with tyrosine.
Molecular consequence: missense variant.
Genome position (GRCh38, 1-based): chr22:36,937,438, C>T. VCF-style: chr22-36937438-C-T. GRCh37 (hg19) VCF-style: chr22-37333480-C-T.
Other names: c.1648C>T, p.His550Tyr (NM_001410827.1); short protein forms H544Y, H550Y.
Identifiers: ClinVar variation 4699019 (VCV004699019.1).

ClinVar aggregate classification (germline): Uncertain significance (1 of 4 stars; one submission).

Submission:

Labcorp Genetics (formerly Invitae), Labcorp
Classification: Uncertain significance. Last evaluated: 2025-08-04. Review status: criteria provided, single submitter. Criteria: Invitae Variant Classification Sherloc (09022015). Collection method: clinical testing. Allele origin: germline.
Comment: This sequence change replaces histidine, which is basic and polar, with tyrosine, which is neutral and polar, at codon 544 of the CSF2RB protein (p.His544Tyr). The frequency data for this variant in the population databases is considered unreliable, as metrics indicate poor data quality at this position in the gnomAD database. This variant has not been reported in the literature in individuals affected with CSF2RB-related conditions. Invitae Evidence Modeling of protein sequence and biophysical properties (such as structural, functional, and spatial information, amino acid conservation, physicochemical variation, residue mobility, and thermodynamic stability) indicates that this missense variant is not expected to disrupt CSF2RB protein function with a negative predictive value of 80%. Algorithms developed to predict the effect of sequence changes on RNA splicing suggest that this variant may create or strengthen a splice site. In summary, the available evidence is currently insufficient to determine the role of this variant in disease. Therefore, it has been classified as a Variant of Uncertain Significance.